The following is an entry in ClinVar:

ClinVar aggregate classification (germline): Uncertain significance (1 of 4 stars; one submission).

Submission:

Labcorp Genetics (formerly Invitae), Labcorp
Classification: Uncertain significance. Last evaluated: 2021-11-22. Review status: criteria provided, single submitter. Criteria: Invitae Variant Classification Sherloc (09022015). Collection method: clinical testing. Allele origin: germline.
Comment: A copy number gain of the genomic region encompassing the full coding sequence of the CDH3 gene has been identified. The boundaries of this event are unknown as they extend beyond the assayed region for this gene and therefore may encompass additional genes. As the precise location of this event is unknown, it may be in tandem or it may be located elsewhere in the genome. This variant has not been reported in the literature in individuals affected with CDH3-related conditions. In summary, the available evidence is currently insufficient to determine the role of this variant in disease. Therefore, it has been classified as a Variant of Uncertain Significance.

NC_000016.9:g.(?_68679283)_(68867402_?)dup

Genes: CDH1 (cadherin 1; plus strand), CDH3 (cadherin 3; plus strand). Cytogenetic location: 16q22.1.
Variant type: Duplication.
Identifiers: ClinVar variation 1511741 (VCV001511741.3).